The following is an entry in ClinVar:

NM_001395656.1(ROBO2):c.1244-1G>A

Gene: ROBO2 (roundabout guidance receptor 2; plus strand). Cytogenetic location: 3p12.3.
Variant type: single nucleotide variant.
Coding change: c.1244-1G>A on transcript NM_001395656.1 (MANE Select); the canonical splice acceptor site of the intron before coding-DNA position 1244, G replaced by A.
Molecular consequence: splice acceptor variant.
Genome position (GRCh38, 1-based): chr3:77,557,943, G>A. VCF-style: chr3-77557943-G-A. GRCh37 (hg19) VCF-style: chr3-77607094-G-A.
Other names: c.1301-1G>A (NM_001394214.1, NM_001394212.1, NM_001395657.1); c.1244-1G>A (NM_001290040.2, NM_001290039.2, NM_001378202.1); c.-687-1G>A (NM_001290065.2); c.1232-1G>A (NM_001378197.1, NM_001378193.1, NM_002942.5); c.1292-1G>A (NM_001378191.1, NM_001378195.1, NM_001378196.1 and 4 more transcripts); c.1280-1G>A (NM_001128929.3); c.1313-1G>A (NM_001394213.1, NM_001378192.1, NM_001378198.1 and 2 more transcripts).
Identifiers: ClinVar variation 1497160 (VCV001497160.7), dbSNP rs1268364860, ClinGen allele CA353576308.

ClinVar aggregate classification (germline): Uncertain significance. Review status: criteria provided, multiple submitters, no conflicts (2 of 4 stars). 2 submissions from 2 submitters: Uncertain significance (2). Last evaluated 2022-07-18.

Conditions:
Vesicoureteral reflux 2 (VUR2). Identifiers: Orphanet 289365, MedGen C1970483, MONDO:0012573, OMIM 610878.

Allele frequency attached by ClinVar (database versions not stated): gnomAD exomes below 0.00001.
gnomAD v4.1: 4 of 1,612,476 alleles (0.00025%); highest among the groups gnomAD compares: Non-Finnish European, 0.00034%; no homozygotes.

Submissions (2):

Labcorp Genetics (formerly Invitae), Labcorp
Classification: Uncertain significance. Last evaluated: 2022-07-18. Review status: criteria provided, single submitter. Criteria: Invitae Variant Classification Sherloc (09022015). Collection method: clinical testing. Allele origin: germline.
Comment: In summary, the available evidence is currently insufficient to determine the role of this variant in disease. Therefore, it has been classified as a Variant of Uncertain Significance. Algorithms developed to predict the effect of sequence changes on RNA splicing suggest that this variant may disrupt the consensus splice site. ClinVar contains an entry for this variant (Variation ID: 1497160). This variant has not been reported in the literature in individuals affected with ROBO2-related conditions. This variant is present in population databases (no rsID available, gnomAD 0.0009%). This sequence change affects an acceptor splice site in intron 8 of the ROBO2 gene. It is expected to disrupt RNA splicing. Variants that disrupt the donor or acceptor splice site typically lead to a loss of protein function (PMID: 16199547), however the current clinical and genetic evidence is not sufficient to establish whether loss-of-function variants in ROBO2 cause disease.

Fulgent Genetics
Classification: Uncertain significance for Vesicoureteral reflux 2. Last evaluated: 2021-12-30. Review status: criteria provided, single submitter. Criteria: ACMG Guidelines, 2015. Collection method: clinical testing. Allele origin: unknown.

Literature cited by the submitters: PubMed 16199547 (cited by Labcorp Genetics (formerly Invitae), Labcorp).